The following is an entry in ClinVar:

ClinVar aggregate classification (germline): Pathogenic/Likely pathogenic. Review status: criteria provided, multiple submitters, no conflicts (2 of 4 stars). 3 submissions from 3 submitters: Pathogenic (1); Likely pathogenic (1). 1 of the submissions does not count toward it. Last evaluated 2020-09-10.

Conditions:
INTELLECTUAL DEVELOPMENTAL DISORDER WITH LANGUAGE IMPAIRMENT AND AUTISTIC FEATURES.
Intellectual disability-severe speech delay-mild dysmorphism syndrome (IDDLA). Also called: Intellectual developmental disorder with language impairment AND with or without autistic features; Mental retardation with language impairment and autistic features; FOXP1 Syndrome. Identifiers: Orphanet 391372, MedGen C4013764, MONDO:0013352, OMIM 613670.
Intellectual disability. Also called: Intellectual functioning disability; Intellectual developmental disorder; intellectual disabilities. Identifiers: MedGen C3714756, MeSH D008607, MONDO:0001071, HP:0001249.

Submissions (3):

Diagnostic Laboratory, Strasbourg University Hospital
Classification: Likely pathogenic for Intellectual disability. Last evaluated: 2020-09-10. Review status: criteria provided, single submitter. Criteria: ACMG Guidelines, 2015. Collection method: clinical testing. Allele origin: de novo. Affected: yes. Observed: 1 heterozygote.

Language and Genetics Department, Max Planck Institute for Psycholinguistics
Classification: Pathogenic for Mental retardation with language impairment and with or without autistic features. Last evaluated: 2015-01-01. Review status: criteria provided, single submitter. Criteria: Sollis et al. 2015. Collection method: clinical testing, in vitro. Allele origin: de novo, not applicable. Affected: yes. Observed: 1 variant allele, 1 heterozygote.

OMIM
Classification: Pathogenic for INTELLECTUAL DEVELOPMENTAL DISORDER WITH LANGUAGE IMPAIRMENT AND AUTISTIC FEATURES. Last evaluated: 2024-10-16. Review status: no assertion criteria provided. Collection method: literature only. Allele origin: germline. Not counted in ClinVar's aggregate classification.

Literature cited by the submitters: PubMed 26647308 (cited by OMIM).

NM_001349338.3(FOXP1):c.1393A>G (p.Arg465Gly)

Gene: FOXP1 (forkhead box P1; minus strand). Cytogenetic location: 3p13.
Variant type: single nucleotide variant.
Coding change: c.1393A>G on transcript NM_001349338.3 (MANE Select); coding-DNA position 1393, A replaced by G.
Protein change: p.Arg465Gly; replaces arginine 465 with glycine.
Molecular consequence: missense variant. On other transcripts: non-coding transcript variant (2).
Genome position (GRCh38, 1-based): chr3:70,977,678, T>C on the plus strand (A>G on the coding strand, the complement: FOXP1 is on the minus strand). VCF-style: chr3-70977678-T-C. GRCh37 (hg19) VCF-style: chr3-71026829-T-C.
Other names: c.1390A>G, p.Arg464Gly (NM_001244808.3, NM_001349341.3); c.1393A>G, p.Arg465Gly (NM_001244810.2, NM_001244814.3, NM_001244816.2 and 2 more transcripts); c.1165A>G, p.Arg389Gly (NM_001244812.3); c.1093A>G, p.Arg365Gly (NM_001244813.3, NM_001244815.2, NM_001349342.3); c.1090A>G, p.Arg364Gly (NM_001349337.2, NM_001349343.3, NM_001349344.3 and 1 more transcripts); short protein forms R465G, R464G, R389G, R364G, R365G.
Identifiers: ClinVar variation 217264 (VCV000217264.10), dbSNP rs869025202, ClinGen allele CA351644.